The following is an entry in ClinVar:

ClinVar aggregate classification (germline): Uncertain significance (1 of 4 stars; one submission).

Submission:

Labcorp Genetics (formerly Invitae), Labcorp
Classification: Uncertain significance. Last evaluated: 2024-07-03. Review status: criteria provided, single submitter. Criteria: Invitae Variant Classification Sherloc (09022015). Collection method: clinical testing. Allele origin: germline.
Comment: This sequence change replaces glutamic acid, which is acidic and polar, with glycine, which is neutral and non-polar, at codon 427 of the C6 protein (p.Glu427Gly). This variant is not present in population databases (gnomAD no frequency). This variant has not been reported in the literature in individuals affected with C6-related conditions. An algorithm developed to predict the effect of missense changes on protein structure and function (PolyPhen-2) suggests that this variant¬†is likely to be tolerated. In summary, the available evidence is currently insufficient to determine the role of this variant in disease. Therefore, it has been classified as a Variant of Uncertain Significance.

NM_000065.5(C6):c.1280A>G (p.Glu427Gly)

Gene: C6 (complement C6; minus strand). Cytogenetic location: 5p13.1.
Variant type: single nucleotide variant.
Coding change: c.1280A>G on transcript NM_000065.5 (MANE Select); coding-DNA position 1280, A replaced by G.
Protein change: p.Glu427Gly; replaces glutamic acid 427 with glycine.
Molecular consequence: missense variant.
Genome position (GRCh38, 1-based): chr5:41,172,236, T>C on the plus strand (A>G on the coding strand, the complement: C6 is on the minus strand). VCF-style: chr5-41172236-T-C. GRCh37 (hg19) VCF-style: chr5-41172338-T-C.
Other names: c.1280A>G, p.Glu427Gly (NM_001115131.4); short protein forms E427G.
Identifiers: ClinVar variation 3693742 (VCV003693742.1).